The following is an entry in ClinVar:

ClinVar aggregate classification (germline): Uncertain significance. Review status: criteria provided, multiple submitters, no conflicts (2 of 4 stars). 7 submissions from 5 submitters: Uncertain significance (7). Last evaluated 2025-03-08.

Conditions:
Amyotrophic lateral sclerosis type 5 (ALS5). Also called: AMYOTROPHIC LATERAL SCLEROSIS 5, JUVENILE. Identifiers: Orphanet 300605, MedGen C1865864, MONDO:0011196, OMIM 602099.
Inborn genetic diseases. Identifiers: MedGen C0950123, MeSH D030342.
Charcot-Marie-Tooth disease axonal type 2X. Also called: CHARCOT-MARIE-TOOTH DISEASE, AXONAL, AUTOSOMAL RECESSIVE, TYPE 2X; CHARCOT-MARIE-TOOTH NEUROPATHY, TYPE 2X. Identifiers: Orphanet 466775, MedGen C5569024, MONDO:0014726, OMIM 616668.
Hereditary spastic paraplegia 11. Also called: Nakamura Osame syndrome; Autosomal recessive hereditary spastic paraplegia, mental impairment, and thin corpus callosum; Spastic paraplegia, mental retardation and thin corpus callosum; SPASTIC PARAPLEGIA, AUTOSOMAL RECESSIVE, COMPLICATED, WITH THIN CORPUS CALLOSUM; SPASTIC PARAPLEGIA, AUTOSOMAL RECESSIVE, WITH MENTAL IMPAIRMENT AND THIN CORPUS CALLOSUM; Spastic Paraplegia 11. Identifiers: Orphanet 2822, MedGen C1858479, MONDO:0011445, OMIM 604360.

Allele frequency attached by ClinVar (database versions not stated): gnomAD 0.00001 and 0.00002; TOPMed 0.00001; gnomAD exomes 0.00002 and 0.00005; ExAC 0.00005; ESP Exome Variant Server 0.00008.
gnomAD v4.1: 35 of 1,613,944 alleles (0.0022%); highest among the groups gnomAD compares: East Asian, 0.0045%; no homozygotes.

Submissions (7):

Ambry Genetics
Classification: Uncertain significance for Inborn genetic diseases. Last evaluated: 2025-03-08. Review status: criteria provided, single submitter. Criteria: Ambry Variant Classification Scheme 2023. Collection method: clinical testing. Allele origin: germline.

GeneDx
Classification: Uncertain significance. Last evaluated: 2024-05-20. Review status: criteria provided, single submitter. Criteria: GeneDx Variant Classification Process June 2021. Collection method: clinical testing. Allele origin: germline. Affected: yes.
Comment: In silico analysis indicates that this missense variant does not alter protein structure/function; Has not been previously published as pathogenic or benign to our knowledge

Labcorp Genetics (formerly Invitae), Labcorp
Classification: Uncertain significance for Hereditary spastic paraplegia 11. Last evaluated: 2022-06-23. Review status: criteria provided, single submitter. Criteria: Invitae Variant Classification Sherloc (09022015). Collection method: clinical testing. Allele origin: germline.
Comment: This sequence change replaces arginine, which is basic and polar, with glutamine, which is neutral and polar, at codon 1992 of the SPG11 protein (p.Arg1992Gln). This variant is present in population databases (rs141262934, gnomAD 0.07%). This variant has not been reported in the literature in individuals affected with SPG11-related conditions. ClinVar contains an entry for this variant (Variation ID: 885558). Algorithms developed to predict the effect of missense changes on protein structure and function output the following: SIFT: "Tolerated"; PolyPhen-2: "Possibly Damaging"; Align-GVGD: "Class C0". The glutamine amino acid residue is found in multiple mammalian species, which suggests that this missense change does not adversely affect protein function. In summary, the available evidence is currently insufficient to determine the role of this variant in disease. Therefore, it has been classified as a Variant of Uncertain Significance.

Illumina Laboratory Services, Illumina
Classification: Uncertain significance for Hereditary spastic paraplegia 11. Last evaluated: 2018-01-13. Review status: criteria provided, single submitter. Criteria: ICSL Variant Classification Criteria 13 December 2019. Collection method: clinical testing. Allele origin: germline.

Genome-Nilou Lab
Classification: Uncertain significance for Amyotrophic lateral sclerosis type 5. Review status: criteria provided, single submitter. Criteria: ACMG Guidelines, 2015. Collection method: clinical testing. Allele origin: germline.

Genome-Nilou Lab
Classification: Uncertain significance for Charcot-Marie-Tooth disease axonal type 2X. Review status: criteria provided, single submitter. Criteria: ACMG Guidelines, 2015. Collection method: clinical testing. Allele origin: germline.

Genome-Nilou Lab
Classification: Uncertain significance for Hereditary spastic paraplegia 11. Review status: criteria provided, single submitter. Criteria: ACMG Guidelines, 2015. Collection method: clinical testing. Allele origin: germline.

NM_025137.4(SPG11):c.5975G>A (p.Arg1992Gln)

Gene: SPG11 (SPG11 vesicle trafficking associated, spatacsin; minus strand). Cytogenetic location: 15q21.1.
Variant type: single nucleotide variant.
Coding change: c.5975G>A on transcript NM_025137.4 (MANE Select); coding-DNA position 5975, G replaced by A.
Protein change: p.Arg1992Gln; replaces arginine 1992 with glutamine.
Molecular consequence: missense variant. On other transcripts: intron variant (1).
Genome position (GRCh38, 1-based): chr15:44,574,933, C>T on the plus strand (G>A on the coding strand, the complement: SPG11 is on the minus strand). VCF-style: chr15-44574933-C-T. GRCh37 (hg19) VCF-style: chr15-44867131-C-T.
Other names: c.5867-2113G>A (NM_001160227.2); short protein forms R1992Q.
Identifiers: ClinVar variation 885558 (VCV000885558.11), dbSNP rs141262934, ClinGen allele CA7534299.